The following is an entry in ClinVar:

NM_001244008.2(KIF1A):c.3242A>C (p.Lys1081Thr)

Gene: KIF1A (kinesin family member 1A; minus strand). Cytogenetic location: 2q37.3.
Variant type: single nucleotide variant.
Coding change: c.3242A>C on transcript NM_001244008.2 (MANE Select); coding-DNA position 3242, A replaced by C.
Protein change: p.Lys1081Thr; replaces lysine 1081 with threonine.
Molecular consequence: missense variant.
Genome position (GRCh38, 1-based): chr2:240,745,870, T>G on the plus strand (A>C on the coding strand, the complement: KIF1A is on the minus strand). VCF-style: chr2-240745870-T-G. GRCh37 (hg19) VCF-style: chr2-241685287-T-G.
Other names: c.2966A>C, p.Lys989Thr (NM_001320705.2, NM_001330289.2, NM_001379638.1); c.3041A>C, p.Lys1014Thr (NM_001330290.2, NM_001379634.1, NM_001379635.1 and 1 more transcripts); c.3317A>C, p.Lys1106Thr (NM_001379631.1); c.3191A>C, p.Lys1064Thr (NM_001379632.1); c.3215A>C, p.Lys1072Thr (NM_001379633.1, NM_001379642.1, NM_001379645.1); c.2939A>C, p.Lys980Thr (NM_001379636.1, NM_001379639.1, NM_001379641.1 and 6 more transcripts); c.3014A>C, p.Lys1005Thr (NM_001379637.1, NM_001379648.1); c.2936A>C, p.Lys979Thr (NM_001379640.1); short protein forms K1005T, K1014T, K1064T, K1072T, K1081T, K1106T, K979T, K980T.
Identifiers: ClinVar variation 2579841 (VCV002579841.1), dbSNP rs2537291521, ClinGen allele CA351318652.

ClinVar aggregate classification (germline): Uncertain significance (1 of 4 stars; one submission).

Submission:

GeneDx
Classification: Uncertain significance. Last evaluated: 2023-03-12. Review status: criteria provided, single submitter. Criteria: GeneDx Variant Classification Process June 2021. Collection method: clinical testing. Allele origin: germline. Affected: yes.
Comment: Not observed at significant frequency in large population cohorts (gnomAD); In silico analysis supports that this missense variant has a deleterious effect on protein structure/function; Has not been previously published as pathogenic or benign to our knowledge